The following is an entry in ClinVar:

ClinVar aggregate classification (germline): Benign. Review status: criteria provided, multiple submitters, no conflicts (2 of 4 stars). 2 submissions from 2 submitters: Benign (2). Last evaluated 2020-11-02.

Allele frequency attached by ClinVar (database versions not stated): ESP Exome Variant Server 0.06166; gnomAD 0.06906 and 0.07337; gnomAD exomes 0.07080 and 0.09463; TOPMed 0.08000; ExAC 0.09276; 1000 Genomes Project 30x 0.11868; 1000 Genomes Project 0.12380.
gnomAD v4.1: 115,208 of 1,613,942 alleles (7.1%); highest among the groups gnomAD compares: East Asian, 30%; 5,979 homozygotes.

Submissions (2):

GeneDx
Classification: Benign. Last evaluated: 2020-11-02. Review status: criteria provided, single submitter. Criteria: GeneDx Variant Classification Process June 2021. Collection method: clinical testing. Allele origin: germline. Affected: yes.
Comment: This variant is associated with the following publications: (PMID: 17630853, 26434847, 25227852, 25340946, 24497981, 25169084, 24039945, 23990873, 23320983, 22639094, 29484706, 19124519, 16324877, 20385586, 19465687, 20431719, 22983827, 21499756, 20553853, 21987112, 12893086, 20218899, 20331623, 20863780, 20332227, 20052722, 19481337, 15113441)

Breakthrough Genomics
Classification: Benign. Review status: criteria provided, single submitter. Criteria: ACMG Guidelines, 2015. Collection method: not provided. Allele origin: germline. Inheritance: Autosomal recessive inheritance. Affected: yes.

NM_006297.3(XRCC1):c.580C>T (p.Arg194Trp)

Gene: XRCC1 (X-ray repair cross complementing 1; minus strand). Cytogenetic location: 19q13.31.
Variant type: single nucleotide variant.
Coding change: c.580C>T on transcript NM_006297.3 (MANE Select); coding-DNA position 580, C replaced by T.
Protein change: p.Arg194Trp; replaces arginine 194 with tryptophan.
Molecular consequence: missense variant.
Genome position (GRCh38, 1-based): chr19:43,553,422, G>A on the plus strand (C>T on the coding strand, the complement: XRCC1 is on the minus strand). VCF-style: chr19-43553422-G-A. GRCh37 (hg19) VCF-style: chr19-44057574-G-A.
Other names: short protein forms R194W.
Identifiers: ClinVar variation 376355 (VCV000376355.5), dbSNP rs1799782, ClinGen allele CA9488737.